The following is an entry in ClinVar:

NM_198253.3(TERT):c.1642C>A (p.Leu548Met)

Gene: TERT (telomerase reverse transcriptase; minus strand). Cytogenetic location: 5p15.33.
Variant type: single nucleotide variant.
Coding change: c.1642C>A on transcript NM_198253.3 (MANE Select); coding-DNA position 1642, C replaced by A.
Protein change: p.Leu548Met; replaces leucine 548 with methionine.
Molecular consequence: missense variant. On other transcripts: non-coding transcript variant (2).
Genome position (GRCh38, 1-based): chr5:1,282,556, G>T on the plus strand (C>A on the coding strand, the complement: TERT is on the minus strand). VCF-style: chr5-1282556-G-T. GRCh37 (hg19) VCF-style: chr5-1282671-G-T.
Other names: c.1642C>A, p.Leu548Met (NM_001193376.3); short protein forms L548M.
Identifiers: ClinVar variation 4865451 (VCV004865451.1).

ClinVar aggregate classification (germline): Uncertain significance (1 of 4 stars; one submission).

Conditions:
Dyskeratosis congenita. Identifiers: Orphanet 1775, MedGen C0265965, MONDO:0015780.

Submission:

Ambry Genetics
Classification: Uncertain significance for Dyskeratosis congenita. Last evaluated: 2026-05-03. Review status: criteria provided, single submitter. Criteria: Ambry Variant Classification Scheme 2023. Collection method: clinical testing. Allele origin: germline.
Comment: The p.L548M variant (also known as c.1642C>A), located in coding exon 3 of the TERT gene, results from a C to A substitution at nucleotide position 1642. The leucine at codon 548 is replaced by methionine, an amino acid with highly similar properties. This amino acid position is conserved. In addition, the in silico prediction for this alteration is inconclusive. Based on the available evidence, the clinical significance of this variant remains unclear.